The following is an entry in ClinVar:

ClinVar aggregate classification (germline): Conflicting classifications of pathogenicity. Review status: criteria provided, conflicting classifications (1 of 4 stars). 26 submissions from 21 submitters: Uncertain significance (1); Benign (16); Likely benign (8). 1 of the submissions does not count toward it. Last evaluated 2026-05-01.

Conditions:
Hereditary cancer-predisposing syndrome. Also called: Tumor predisposition; Hereditary neoplastic syndrome; Hereditary Cancer Syndrome; Neoplastic Syndromes, Hereditary. Identifiers: Orphanet 140162, MedGen C0027672, MeSH D009386, MONDO:0015356.
Cardiovascular phenotype. Identifiers: MedGen CN230736.
Neurofibromatosis-Noonan syndrome (NFNS). Also called: NEUROFIBROMATOSIS WITH NOONAN PHENOTYPE. Identifiers: Orphanet 638, MedGen C2931482, MONDO:0011035, OMIM 601321. Disease mechanism: loss of function.
Neurofibromatosis, familial spinal (FSNF). Identifiers: Orphanet 636, MedGen C1834235, MONDO:0008078, OMIM 162210. Disease mechanism: loss of function.
Neurofibromatosis, type 1 (NF1). Also called: NEUROFIBROMATOSIS, TYPE I, SOMATIC; VON RECKLINGHAUSEN DISEASE; Neurofibromatosis, type I; Peripheral type neurofibromatosis. Identifiers: Orphanet 636, MedGen C0027831, MONDO:0018975, OMIM 162200. Disease mechanism: loss of function.
Café-au-lait macules with pulmonary stenosis (WTSN). Also called: PULMONIC STENOSIS WITH CAFE-AU-LAIT SPOTS. Identifiers: MedGen C0553586, MONDO:0008672, OMIM 193520.

Allele frequency attached by ClinVar (database versions not stated): gnomAD exomes 0.00018 and 0.00060; ExAC 0.00074; 1000 Genomes Project 30x 0.00125; 1000 Genomes Project 0.00140; gnomAD 0.00197 and 0.00220; TOPMed 0.00217; ESP Exome Variant Server 0.00231.
gnomAD v4.1: 573 of 1,613,520 alleles (0.036%); highest among the groups gnomAD compares: African/African-American, 0.67%; 2 homozygotes.

Submissions (26):

CeGaT Center for Human Genetics Tuebingen
Classification: Benign. Last evaluated: 2026-05-01. Review status: criteria provided, single submitter. Criteria: CeGaT Center For Human Genetics Tuebingen Variant Classification Criteria Version 2. Collection method: clinical testing. Allele origin: germline. Affected: yes. Observed: 5 variant alleles.
Comment: NF1: BS1, BS2

Labcorp Genetics (formerly Invitae), Labcorp
Classification: Benign for Neurofibromatosis, type 1. Last evaluated: 2026-02-03. Review status: criteria provided, single submitter. Criteria: Invitae Variant Classification Sherloc (09022015). Collection method: clinical testing. Allele origin: germline.

Myriad Genetics, Inc.
Classification: Likely benign for Neurofibromatosis, type 1. Last evaluated: 2026-01-15. Review status: criteria provided, single submitter. Criteria: Myriad Autosomal Dominant, Autosomal Recessive and X-Linked Classification Criteria (2023). Collection method: clinical testing. Allele origin: unknown.
Comment: This variant is considered likely benign. This variant has been observed at a population frequency that is significantly greater than expected given the associated disease prevalence and penetrance.

KCCC/NGS Laboratory, Kuwait Cancer Control Center
Classification: Benign for Neurofibromatosis, type 1. Last evaluated: 2025-02-01. Review status: criteria provided, single submitter. Criteria: ACMG Guidelines, 2015. Collection method: clinical testing. Allele origin: germline. Affected: no.

Blueprint Genetics
Classification: Likely benign. Last evaluated: 2024-08-07. Review status: criteria provided, single submitter. Criteria: ACMG Guidelines, 2015. Collection method: clinical testing. Allele origin: germline.

KCCC/NGS Laboratory, Kuwait Cancer Control Center
Classification: Benign for Neurofibromatosis, familial spinal. Last evaluated: 2023-07-07. Review status: criteria provided, single submitter. Criteria: ACMG Guidelines, 2015. Collection method: clinical testing. Allele origin: germline. Affected: yes.

Institute for Biomarker Research, Medical Diagnostic Laboratories, L.L.C.
Classification: Benign for Hereditary cancer-predisposing syndrome. Last evaluated: 2022-11-15. Review status: criteria provided, single submitter. Criteria: ACMG Guidelines, 2015. Collection method: clinical testing. Allele origin: germline.

Medical Genetics, University of Parma
Classification: Benign for Neurofibromatosis, type 1. Last evaluated: 2022-08-17. Review status: criteria provided, single submitter. Criteria: ACMG Guidelines, 2015. Collection method: clinical testing. Allele origin: germline. Inheritance: Autosomal dominant inheritance. Affected: yes.

GeneDx
Classification: Benign. Last evaluated: 2021-05-05. Review status: criteria provided, single submitter. Criteria: GeneDx Variant Classification Process June 2021. Collection method: clinical testing. Allele origin: germline. Affected: yes.
Comment: This variant is associated with the following publications: (PMID: 10712197, 24803665, 15060124, 24728327, 27322474, 23771920, 28371134, 26154128, 33562071)

Genome Diagnostics Laboratory, The Hospital for Sick Children
Classification: Likely benign for Neurofibromatosis, type 1. Last evaluated: 2020-10-26. Review status: criteria provided, single submitter. Criteria: ACMG Guidelines, 2015. Collection method: clinical testing. Allele origin: germline. Affected: yes.

Sema4
Classification: Benign for Hereditary cancer-predisposing syndrome. Last evaluated: 2020-07-31. Review status: criteria provided, single submitter. Criteria: Sema4 Curation Guidelines. Collection method: curation. Allele origin: germline.

Genetic Services Laboratory, University of Chicago
Classification: Likely benign. Last evaluated: 2020-02-03. Review status: criteria provided, single submitter. Criteria: ACMG Guidelines, 2015. Collection method: clinical testing. Allele origin: germline. Affected: no.

Ambry Genetics
Classification: Likely benign for Cardiovascular phenotype; Hereditary cancer-predisposing syndrome. Last evaluated: 2019-04-26. Review status: criteria provided, single submitter. Criteria: Ambry Variant Classification Scheme 2023. Collection method: clinical testing. Allele origin: germline.

Women's Health and Genetics/Laboratory Corporation of America, LabCorp
Classification: Benign. Last evaluated: 2019-01-30. Review status: criteria provided, single submitter. Criteria: LabCorp Variant Classification Summary - May 2015. Collection method: clinical testing. Allele origin: germline.
Comment: Variant summary: NF1 c.1994C>T (p.Ser665Phe) results in a non-conservative amino acid change in the encoded protein sequence. Three of five in-silico tools predict a benign effect of the variant on protein function. The variant allele was found at a frequency of 0.00074 in 282364 control chromosomes, predominantly within the African subpopulation at a frequency of 0.0077 in the gnomAD database, including 2 homozygotes. The observed variant frequency within African control individuals in the gnomAD database is approximately 37-fold of the estimated maximal expected allele frequency for a pathogenic variant in NF1 causing Neurofibromatosis Type 1 phenotype (0.00021), strongly suggesting that the variant is a benign polymorphism found primarily in populations of African origin. However, this region is affected by pseudogene interference therefore these population frequency data need to be cautiously considered. c.1994C>T has been reported in the literature in an affected individual (Fahsold 2000). This report however does not provide unequivocal conclusions about association of the variant with Neurofibromatosis Type 1. To our knowledge, no experimental evidence demonstrating an impact on protein function has been reported. Eight ClinVar submissions from other clinical diagnostic laboratories (evaluation after 2014) cite the variant predominantly as likely benign/benign (7x) and once as uncertain significance. Based on the evidence outlined above, the variant was classified as benign.

Mendelics
Classification: Likely benign for Neurofibromatosis, type 1. Last evaluated: 2018-07-02. Review status: criteria provided, single submitter. Criteria: Mendelics Assertion Criteria 2017. Collection method: clinical testing. Allele origin: unknown.

SIB Swiss Institute of Bioinformatics
Classification: Uncertain significance for Neurofibromatosis, type 1. Last evaluated: 2018-05-31. Review status: criteria provided, single submitter. Criteria: ACMG Guidelines, 2015. Collection method: curation. Allele origin: unknown.
Comment: This variant is interpreted as a Uncertain Significance - Insufficient Evidence, for Neurofibromatosis 1, in Autosomal Dominant manner. The following ACMG Tag(s) were applied: BS1 => Allele frequency is greater than expected for disorder.

Illumina Laboratory Services, Illumina
Classification: Benign for Neurofibromatosis, familial spinal. Last evaluated: 2017-11-20. Review status: criteria provided, single submitter. Criteria: ICSL Variant Classification Criteria 13 December 2019. Collection method: clinical testing. Allele origin: germline.
Comment: This variant was observed as part of a predisposition screen in an ostensibly healthy population. A literature search was performed for the gene, cDNA change, and amino acid change (where applicable). No publications were found based on this search. Allele frequency data from public databases was too high to be consistent with this variant causing disease. Therefore, this variant is classified as benign.

Illumina Laboratory Services, Illumina
Classification: Benign for Neurofibromatosis-Noonan syndrome. Last evaluated: 2017-11-20. Review status: criteria provided, single submitter. Criteria: ICSL Variant Classification Criteria 13 December 2019. Collection method: clinical testing. Allele origin: germline.
Comment: the same text as in the submission from Illumina Laboratory Services, Illumina above.

Illumina Laboratory Services, Illumina
Classification: Benign for Café-au-lait macules with pulmonary stenosis. Last evaluated: 2017-11-20. Review status: criteria provided, single submitter. Criteria: ICSL Variant Classification Criteria 13 December 2019. Collection method: clinical testing. Allele origin: germline.
Comment: the same text as in the submission from Illumina Laboratory Services, Illumina above.

Illumina Laboratory Services, Illumina
Classification: Benign for Neurofibromatosis, type 1. Last evaluated: 2017-11-20. Review status: criteria provided, single submitter. Criteria: ICSL Variant Classification Criteria 13 December 2019. Collection method: clinical testing. Allele origin: germline.
Comment: This variant was observed as part of a predisposition screen in an ostensibly healthy population. A literature search was performed for the gene, cDNA change, and amino acid change (where applicable). Publications were found based on this search. The evidence from the literature, in combination with allele frequency data from public databases where available, was sufficient to rule this variant out of causing disease. Therefore, this variant is classified as benign.

Quest Diagnostics Nichols Institute San Juan Capistrano
Classification: Benign. Last evaluated: 2017-04-28. Review status: criteria provided, single submitter. Criteria: Quest Diagnostics criteria. Collection method: clinical testing. Allele origin: unknown.

Center for Human Genetics, Inc
Classification: Likely benign for Neurofibromatosis, type 1. Last evaluated: 2016-11-01. Review status: criteria provided, single submitter. Criteria: ACMG Guidelines, 2015. Collection method: clinical testing. Allele origin: germline. Affected: yes.

PreventionGenetics, part of Exact Sciences
Classification: Benign. Last evaluated: 2016-05-11. Review status: criteria provided, single submitter. Criteria: ACMG Guidelines, 2015. Collection method: clinical testing. Allele origin: germline.

Ambry Genetics
Classification: Likely benign for Hereditary cancer-predisposing syndrome. Last evaluated: 2015-09-09. Review status: criteria provided, single submitter. Criteria: Ambry Autosomal Dominant and X-Linked criteria (10/2015). Collection method: clinical testing. Allele origin: germline. Observed: 1 variant allele.
Comment: In silico models in agreement (benign);Other data supporting benign classification;Subpopulation frequency in support of benign classification

Laboratory for Molecular Medicine, Mass General Brigham Personalized Medicine
Classification: Benign. Last evaluated: 2015-04-07. Review status: criteria provided, single submitter. Criteria: LMM Criteria. Collection method: clinical testing. Allele origin: germline. Observed: 5 variant alleles.
Comment: p.Ser665Phe in exon 17 of NF1: This variant is not expected to have clinical sig nificance because it has been identified in 0.8% (81/10324) of African chromosom es by the Exome Aggregation Consortium (ExAC; db SNP rs145891889).

ITMI
No classification provided. Condition: AllHighlyPenetrant. Last evaluated: 2013-09-19. Review status: no classification provided. Collection method: reference population. Allele origin: germline. Not counted in ClinVar's aggregate classification.
Comment: Please see associated publication for description of ethnicities

Literature cited by the submitters: PubMed 24728327 (cited by 4 submitters); PubMed 15060124 (cited by 5 submitters); PubMed 10712197 (cited by 5 submitters); PubMed 33562071 (cited by Quest Diagnostics Nichols Institute San Juan Capistrano); PubMed 24803665 (cited by Quest Diagnostics Nichols Institute San Juan Capistrano); PubMed 27322474 (cited by Quest Diagnostics Nichols Institute San Juan Capistrano).

NM_001042492.3(NF1):c.1994C>T (p.Ser665Phe)

Gene: NF1 (neurofibromin 1; plus strand). Cytogenetic location: 17q11.2.
Variant type: single nucleotide variant.
Coding change: c.1994C>T on transcript NM_001042492.3 (MANE Select); coding-DNA position 1994, C replaced by T.
Protein change: p.Ser665Phe; replaces serine 665 with phenylalanine.
Molecular consequence: missense variant.
Genome position (GRCh38, 1-based): chr17:31,225,243, C>T. VCF-style: chr17-31225243-C-T. GRCh37 (hg19) VCF-style: chr17-29552261-C-T.
Other names: NM_000267.3(NF1):c.1994C>T(p.Ser665Phe); NM_001042492.2(NF1):c.1994C>T(p.Ser665Phe); c.1994C>T, p.Ser665Phe (NM_000267.4); short protein forms S665F.
Identifiers: ClinVar variation 134881 (VCV000134881.63), dbSNP rs145891889, ClinGen allele CA161015.